The following is an entry in ClinVar:

NM_177438.3(DICER1):c.2279G>A (p.Ser760Asn)

Gene: DICER1 (dicer 1, ribonuclease III; minus strand). Cytogenetic location: 14q32.13.
Variant type: single nucleotide variant.
Coding change: c.2279G>A on transcript NM_177438.3 (MANE Select); coding-DNA position 2279, G replaced by A.
Protein change: p.Ser760Asn; replaces serine 760 with asparagine.
Molecular consequence: missense variant.
Genome position (GRCh38, 1-based): chr14:95,108,481, C>T on the plus strand (G>A on the coding strand, the complement: DICER1 is on the minus strand). VCF-style: chr14-95108481-C-T. GRCh37 (hg19) VCF-style: chr14-95574818-C-T.
Other names: c.2279G>A, p.Ser760Asn (NM_001195573.1, NM_001271282.3, NM_001291628.2 and 1 more transcripts); short protein forms S760N.
Identifiers: ClinVar variation 412109 (VCV000412109.10), dbSNP rs1060503621, ClinGen allele CA16614245.

ClinVar aggregate classification (germline): Uncertain significance (1 of 4 stars; one submission).

Conditions:
DICER1-related tumor predisposition. Also called: DICER1-related pleuropulmonary blastoma cancer predisposition syndrome; DICER1 syndrome. Identifiers: Orphanet 284343, MedGen C3839822, MONDO:0100216.

Allele frequency attached by ClinVar (database versions not stated): gnomAD exomes below 0.00001.
gnomAD v4.1: 1 of 1,614,092 alleles (0.000062%); highest among the groups gnomAD compares: South Asian, 0.0011%; no homozygotes.

Submission:

Labcorp Genetics (formerly Invitae), Labcorp
Classification: Uncertain significance for DICER1-related tumor predisposition. Last evaluated: 2024-07-30. Review status: criteria provided, single submitter. Criteria: Invitae Variant Classification Sherloc (09022015). Collection method: clinical testing. Allele origin: germline.
Comment: This sequence change replaces serine, which is neutral and polar, with asparagine, which is neutral and polar, at codon 760 of the DICER1 protein (p.Ser760Asn). This variant is not present in population databases (gnomAD no frequency). This variant has not been reported in the literature in individuals affected with DICER1-related conditions. ClinVar contains an entry for this variant (Variation ID: 412109). Advanced modeling of protein sequence and biophysical properties (such as structural, functional, and spatial information, amino acid conservation, physicochemical variation, residue mobility, and thermodynamic stability) performed at Invitae indicates that this missense variant is not expected to disrupt DICER1 protein function with a negative predictive value of 80%. In summary, the available evidence is currently insufficient to determine the role of this variant in disease. Therefore, it has been classified as a Variant of Uncertain Significance.